The following is an entry in ClinVar:

ClinVar aggregate classification (germline): Benign/Likely benign. Review status: criteria provided, multiple submitters, no conflicts (2 of 4 stars). 3 submissions from 3 submitters: Benign (1); Likely benign (2). Last evaluated 2026-06-16.

Conditions:
Polyps, multiple and recurrent inflammatory fibroid, gastrointestinal. Identifiers: MedGen C5193005, MONDO:0008285, OMIM 175510.
Hereditary cancer-predisposing syndrome. Also called: Hereditary neoplastic syndrome; Neoplastic Syndromes, Hereditary; Hereditary Cancer Syndrome; Tumor predisposition. Identifiers: Orphanet 140162, MedGen C0027672, MeSH D009386, MONDO:0015356.
Gastrointestinal stromal tumor. Also called: Gastrointestinal stromal tumor, somatic; Gastrointestinal stroma tumor. Identifiers: Orphanet 44890, MedGen C0238198, MeSH D046152, MONDO:0011719, OMIM 606764, HP:0100723.

Allele frequency attached by ClinVar (database versions not stated): gnomAD exomes 0.00002 and 0.00001; ExAC 0.00004; gnomAD 0.00001; TOPMed 0.00001.
gnomAD v4.1: 8 of 1,613,908 alleles (0.0005%); highest among the groups gnomAD compares: Admixed American, 0.013%; no homozygotes.

Submissions (3):

Myriad Genetics, Inc.
Classification: Benign for Polyps, multiple and recurrent inflammatory fibroid, gastrointestinal. Last evaluated: 2026-06-16. Review status: criteria provided, single submitter. Criteria: Myriad Autosomal Dominant, Autosomal Recessive and X-Linked Classification Criteria (2023). Collection method: clinical testing. Allele origin: unknown.
Comment: This variant is considered benign. This variant is a silent/synonymous amino acid change and it is not expected to impact splicing.

Labcorp Genetics (formerly Invitae), Labcorp
Classification: Likely benign for Gastrointestinal stromal tumor. Last evaluated: 2026-01-11. Review status: criteria provided, single submitter. Criteria: Invitae Variant Classification Sherloc (09022015). Collection method: clinical testing. Allele origin: germline.

Ambry Genetics
Classification: Likely benign for Hereditary cancer-predisposing syndrome. Last evaluated: 2020-03-31. Review status: criteria provided, single submitter. Criteria: Ambry Variant Classification Scheme 2023. Collection method: clinical testing. Allele origin: germline.

NM_006206.6(PDGFRA):c.561T>C (p.Tyr187=)

Gene: PDGFRA (platelet derived growth factor receptor alpha; plus strand). Cytogenetic location: 4q12.
Variant type: single nucleotide variant.
Coding change: c.561T>C on transcript NM_006206.6 (MANE Select); coding-DNA position 561, T replaced by C.
Protein change: p.Tyr187=; no amino-acid change (tyrosine 187 retained).
Molecular consequence: synonymous variant.
Genome position (GRCh38, 1-based): chr4:54,263,860, T>C. VCF-style: chr4-54263860-T-C. GRCh37 (hg19) VCF-style: chr4-55130027-T-C.
Other names: c.561T>C, p.Tyr187= (NM_001347827.2, NM_001347829.2); c.636T>C, p.Tyr212= (NM_001347828.2); c.600T>C, p.Tyr200= (NM_001347830.2).
Identifiers: ClinVar variation 528715 (VCV000528715.12), dbSNP rs756408619, ClinGen allele CA2922310.